The following is an entry in ClinVar:

ClinVar aggregate classification (germline): Uncertain significance (1 of 4 stars; one submission).

Allele frequency attached by ClinVar (database versions not stated): gnomAD 0.00003; TOPMed 0.00005.
gnomAD v4.1: 4 of 1,322,070 alleles (0.0003%); highest among the groups gnomAD compares: African/African-American, 0.0062%; no homozygotes.

Submission:

Labcorp Genetics (formerly Invitae), Labcorp
Classification: Uncertain significance. Last evaluated: 2024-01-08. Review status: criteria provided, single submitter. Criteria: Invitae Variant Classification Sherloc (09022015). Collection method: clinical testing. Allele origin: germline.
Comment: This sequence change replaces cysteine, which is neutral and slightly polar, with tryptophan, which is neutral and slightly polar, at codon 415 of the DLL3 protein (p.Cys415Trp). This variant is not present in population databases (gnomAD no frequency). This missense change has been observed in individual(s) with clinical features of DLL3-related conditions (Invitae). In at least one individual the data is consistent with being in trans (on the opposite chromosome) from a pathogenic variant. An algorithm developed to predict the effect of missense changes on protein structure and function (PolyPhen-2) suggests that this variant is likely to be disruptive. In summary, the available evidence is currently insufficient to determine the role of this variant in disease. Therefore, it has been classified as a Variant of Uncertain Significance.

NM_203486.3(DLL3):c.1245C>G (p.Cys415Trp)

Genes: DLL3 (delta like canonical Notch ligand 3; plus strand), LOC130064418 (ATAC-STARR-seq lymphoblastoid silent region 10609; plus strand). Cytogenetic location: 19q13.2.
Variant type: single nucleotide variant.
Coding change: c.1245C>G on transcript NM_203486.3 (MANE Select); coding-DNA position 1245, C replaced by G.
Protein change: p.Cys415Trp; replaces cysteine 415 with tryptophan.
Molecular consequence: missense variant.
Genome position (GRCh38, 1-based): chr19:39,507,190, C>G. VCF-style: chr19-39507190-C-G. GRCh37 (hg19) VCF-style: chr19-39997830-C-G.
Other names: c.1245C>G, p.Cys415Trp (NM_016941.4); short protein forms C415W.
Identifiers: ClinVar variation 2968349 (VCV002968349.1), dbSNP rs1171620447, ClinGen allele CA405800648.